The following is an entry in ClinVar:

ClinVar aggregate classification (germline): Likely benign. Review status: criteria provided, multiple submitters, no conflicts (2 of 4 stars). 3 submissions from 3 submitters: Likely benign (3). Last evaluated 2026-08-16.

Conditions:
PLEC-related disorder. Also called: PLEC-related condition; PLEC-related disorders.
Epidermolysis bullosa simplex 5C, with pyloric atresia (EBS5C). Also called: PLEC-Related Epidermolysis Bullosa with Pyloric Atresia; Epidermolysis bullosa simplex with pyloric atresia; PLEC1-Related Epidermolysis Bullosa with Pyloric Atresia. Identifiers: Orphanet 158684, MedGen C2677349, MONDO:0012807, OMIM 612138.
Epidermolysis bullosa simplex 5B, with muscular dystrophy (EBS5B). Also called: EPIDERMOLYSIS BULLOSA SIMPLEX AND LIMB-GIRDLE MUSCULAR DYSTROPHY; Epidermolysis bullosa simplex with muscular dystrophy. Identifiers: Orphanet 257, MedGen C2931072, MONDO:0009181, OMIM 226670.
Epidermolysis bullosa simplex with nail dystrophy (EBS5D). Identifiers: MedGen C4225309, MONDO:0014661, OMIM 616487.
Epidermolysis bullosa simplex, Ogna type (EBS5A). Also called: Pidermolysis bullosa simplex 5A, Ogna type; EPIDERMOLYSIS BULLOSA SIMPLEX 5A, OGNA TYPE. Identifiers: Orphanet 79401, MedGen C0432317, MONDO:0007555, OMIM 131950.
Autosomal recessive limb-girdle muscular dystrophy type 2Q (LGMDR17). Also called: MUSCULAR DYSTROPHY, LIMB-GIRDLE, AUTOSOMAL RECESSIVE 17. Identifiers: Orphanet 254361, MedGen C3150989, MONDO:0013390, OMIM 613723.

Allele frequency attached by ClinVar (database versions not stated): ExAC 0.00002; gnomAD exomes 0.00002; TOPMed 0.00003; gnomAD 0.00004.
gnomAD v4.1: 30 of 1,612,990 alleles (0.0019%); highest among the groups gnomAD compares: Admixed American, 0.012%; no homozygotes.

Submissions (3):

PreventionGenetics, part of Exact Sciences
Classification: Likely benign for PLEC-related condition. Last evaluated: 2026-08-16. Review status: criteria provided, single submitter. Criteria: ACMG Guidelines, 2015. Collection method: clinical testing. Allele origin: germline.
Comment: This variant is classified as likely benign based on ACMG/AMP sequence variant interpretation guidelines (Richards et al. 2015 PMID: 25741868, with internal and published modifications).

Labcorp Genetics (formerly Invitae), Labcorp
Classification: Likely benign for Autosomal recessive limb-girdle muscular dystrophy type 2Q; Epidermolysis bullosa simplex, Ogna type; Epidermolysis bullosa simplex with nail dystrophy; Epidermolysis bullosa simplex 5C, with pyloric atresia; Epidermolysis bullosa simplex 5B, with muscular dystrophy. Last evaluated: 2025-12-22. Review status: criteria provided, single submitter. Criteria: Invitae Variant Classification Sherloc (09022015). Collection method: clinical testing. Allele origin: germline.

Athena Diagnostics
Classification: Likely benign. Last evaluated: 2019-05-03. Review status: criteria provided, single submitter. Criteria: Athena Diagnostics Criteria. Collection method: clinical testing. Allele origin: germline.

NM_201384.3(PLEC):c.13002C>T (p.Asp4334=)

Gene: PLEC (plectin; minus strand). Cytogenetic location: 8q24.3.
Variant type: single nucleotide variant.
Coding change: c.13002C>T on transcript NM_201384.3 (MANE Select); coding-DNA position 13002, C replaced by T.
Protein change: p.Asp4334=; no amino-acid change (aspartic acid 4334 retained).
Molecular consequence: synonymous variant.
Genome position (GRCh38, 1-based): chr8:143,916,819, G>A on the plus strand (C>T on the coding strand, the complement: PLEC is on the minus strand). VCF-style: chr8-143916819-G-A. GRCh37 (hg19) VCF-style: chr8-144990987-G-A.
Other names: c.13083C>T (NM_000445.4); c.13083C>T, p.Asp4361= (NM_000445.5); c.12960C>T, p.Asp4320= (NM_201378.4); c.12936C>T, p.Asp4312= (NM_201379.3); c.13413C>T, p.Asp4471= (NM_201380.4); c.12906C>T, p.Asp4302= (NM_201381.3); c.13002C>T, p.Asp4334= (NM_201382.4); c.13014C>T, p.Asp4338= (NM_201383.3).
Identifiers: ClinVar variation 805208 (VCV000805208.10), dbSNP rs782300050, ClinGen allele CA4923926.
Genomic context (GRCh38, chr8:143,916,819, plus strand): 5'-CTTCTGGGCCAGGTTGATGCGGTCCACCATGATCTTGTCCACCAGGCCCTTGTTGACGGC[G>A]TCGGTGACAGGGAAGCGCTCACCGGTGCTGGGGTCGATGATGCCCCCGGTGCAGGCCTGC-3'
Protein context (NP_958786.1, residues 4324-4344): PSTGERFPVT[Asp4334=]AVNKGLVDKI